The following is an entry in ClinVar:

NM_138927.4(SON):c.4985A>C (p.Lys1662Thr)

Gene: SON (SON DNA and RNA binding protein; plus strand). Cytogenetic location: 21q22.11.
Variant type: single nucleotide variant.
Coding change: c.4985A>C on transcript NM_138927.4 (MANE Select); coding-DNA position 4985, A replaced by C.
Protein change: p.Lys1662Thr; replaces lysine 1662 with threonine.
Molecular consequence: missense variant. On other transcripts: non-coding transcript variant (1), intron variant (1).
Genome position (GRCh38, 1-based): chr21:33,554,216, A>C. VCF-style: chr21-33554216-A-C. GRCh37 (hg19) VCF-style: chr21-34926522-A-C.
Other names: c.4985A>C, p.Lys1662Thr (NM_001291411.2, NM_001412133.1, NM_032195.3 and 2 more transcripts); c.245-2940A>C (NM_001291412.3); short protein forms K1662T.
Identifiers: ClinVar variation 2128663 (VCV002128663.4), dbSNP rs2085897633, ClinGen allele CA410163802.

ClinVar aggregate classification (germline): Uncertain significance (1 of 4 stars; one submission).

Submission:

Labcorp Genetics (formerly Invitae), Labcorp
Classification: Uncertain significance. Last evaluated: 2022-07-13. Review status: criteria provided, single submitter. Criteria: Invitae Variant Classification Sherloc (09022015). Collection method: clinical testing. Allele origin: germline.
Comment: This sequence change replaces lysine, which is basic and polar, with threonine, which is neutral and polar, at codon 1662 of the SON protein (p.Lys1662Thr). This variant is not present in population databases (gnomAD no frequency). This variant has not been reported in the literature in individuals affected with SON-related conditions. Algorithms developed to predict the effect of missense changes on protein structure and function are either unavailable or do not agree on the potential impact of this missense change (SIFT: "Deleterious"; PolyPhen-2: "Possibly Damaging"; Align-GVGD: "Class C0"). In summary, the available evidence is currently insufficient to determine the role of this variant in disease. Therefore, it has been classified as a Variant of Uncertain Significance.